The following is an entry in ClinVar:

ClinVar aggregate classification (germline): Uncertain significance (1 of 4 stars; one submission).

Allele frequency attached by ClinVar (database versions not stated): ExAC 0.00001; gnomAD 0.00002 and 0.00003; gnomAD exomes 0.00002 and 0.00003; TOPMed 0.00008.
gnomAD v4.1: 45 of 1,613,966 alleles (0.0028%); highest among the groups gnomAD compares: Admixed American, 0.01%; no homozygotes.

Submission:

Labcorp Genetics (formerly Invitae), Labcorp
Classification: Uncertain significance. Last evaluated: 2025-01-30. Review status: criteria provided, single submitter. Criteria: Invitae Variant Classification Sherloc (09022015). Collection method: clinical testing. Allele origin: germline.
Comment: This sequence change replaces alanine, which is neutral and non-polar, with threonine, which is neutral and polar, at codon 215 of the SIAE protein (p.Ala215Thr). This variant is present in population databases (rs764572330, gnomAD 0.01%). This variant has not been reported in the literature in individuals affected with SIAE-related conditions. ClinVar contains an entry for this variant (Variation ID: 1428092). An algorithm developed to predict the effect of missense changes on protein structure and function (PolyPhen-2) suggests that this variant is likely to be tolerated. In summary, the available evidence is currently insufficient to determine the role of this variant in disease. Therefore, it has been classified as a Variant of Uncertain Significance.

NM_170601.5(SIAE):c.643G>A (p.Ala215Thr)

Gene: SIAE (sialic acid acetylesterase; minus strand). Cytogenetic location: 11q24.2.
Variant type: single nucleotide variant.
Coding change: c.643G>A on transcript NM_170601.5 (MANE Select); coding-DNA position 643, G replaced by A.
Protein change: p.Ala215Thr; replaces alanine 215 with threonine.
Molecular consequence: missense variant.
Genome position (GRCh38, 1-based): chr11:124,649,698, C>T on the plus strand (G>A on the coding strand, the complement: SIAE is on the minus strand). VCF-style: chr11-124649698-C-T. GRCh37 (hg19) VCF-style: chr11-124519594-C-T.
Other names: c.538G>A, p.Ala180Thr (NM_001199922.2); short protein forms A180T, A215T.
Identifiers: ClinVar variation 1428092 (VCV001428092.8), dbSNP rs764572330, ClinGen allele CA6341452.
Genomic context (GRCh38, chr11:124,649,698, plus strand): 5'-AGGCTTTCAGTGACCGTCCAGATGACCAGGCTTCAATGGGTGTCCCGCCCCAGCTGGAGG[C>T]GATCAGCCCGATGGGATACTGCAGAGTGTCATAAAGGTGACGTCCAAAGAGCCAGCACAC-3'
Protein context (NP_733746.1, residues 205-225): DTLQYPIGLI[Ala215Thr]SSWGGTPIEA